The following is an entry in ClinVar:

NM_001672.3(ASIP):c.116A>T (p.Asn39Ile)

Genes: AHCY (adenosylhomocysteinase; minus strand), ASIP (agouti signaling protein; plus strand). Cytogenetic location: 20q11.22.
Variant type: single nucleotide variant.
Coding change: c.116A>T on transcript NM_001672.3 (MANE Select); coding-DNA position 116, A replaced by T.
Protein change: p.Asn39Ile; replaces asparagine 39 with isoleucine.
Molecular consequence: missense variant.
Genome position (GRCh38, 1-based): chr20:34,260,490, A>T. VCF-style: chr20-34260490-A-T. GRCh37 (hg19) VCF-style: chr20-32848296-A-T.
Other names: c.116A>T, p.Asn39Ile (NM_001385218.1); short protein forms N39I.
Identifiers: ClinVar variation 3130388 (VCV003130388.3), dbSNP rs963476143, ClinGen allele CA313328313.

ClinVar aggregate classification (germline): Uncertain significance. Review status: criteria provided, multiple submitters, no conflicts (2 of 4 stars). 2 submissions from 2 submitters: Uncertain significance (2). Last evaluated 2026-05-28.

Conditions:
ASIP-related condition.

Allele frequency attached by ClinVar (database versions not stated): gnomAD exomes 0.00001; gnomAD 0.00003; TOPMed 0.00006.
gnomAD v4.1: 9 of 1,613,464 alleles (0.00056%); highest among the groups gnomAD compares: Admixed American, 0.01%; no homozygotes.

Submissions (2):

PreventionGenetics, part of Exact Sciences
Classification: Uncertain significance for ASIP-related condition. Last evaluated: 2026-05-28. Review status: criteria provided, single submitter. Criteria: ACMG Guidelines, 2015. Collection method: clinical testing. Allele origin: germline.
Comment: The ASIP c.116A>T variant is predicted to result in the amino acid substitution p.Asn39Ile. To our knowledge, this variant has not been reported in the literature or in a large population database, indicating this variant is rare. At this time, the clinical significance of this variant is uncertain due to the absence of conclusive functional and genetic evidence.

Ambry Genetics
Classification: Uncertain significance. Last evaluated: 2024-01-17. Review status: criteria provided, single submitter. Criteria: Ambry Variant Classification Scheme 2023. Collection method: clinical testing. Allele origin: germline.